The following is an entry in ClinVar:

NM_000539.3(RHO):c.936+1G>T

Gene: RHO (rhodopsin; plus strand). Cytogenetic location: 3q22.1.
Variant type: single nucleotide variant.
Coding change: c.936+1G>T on transcript NM_000539.3 (MANE Select); the canonical splice donor site of the intron after coding-DNA position 936, G replaced by T.
Molecular consequence: splice donor variant.
Genome position (GRCh38, 1-based): chr3:129,532,773, G>T. VCF-style: chr3-129532773-G-T. GRCh37 (hg19) VCF-style: chr3-129251616-G-T.
Other names: IVS4AS, G-T, +1.
Identifiers: ClinVar variation 855043 (VCV000855043.16), dbSNP rs776014770, ClinGen allele CA2607314.

ClinVar aggregate classification (germline): Pathogenic/Likely pathogenic. Review status: criteria provided, multiple submitters, no conflicts (2 of 4 stars). 7 submissions from 7 submitters: Pathogenic (5); Likely pathogenic (1). 1 of the submissions does not count toward it. Last evaluated 2026-01-29.

Conditions:
RHO-related disorder. Also called: RHO-related condition.
Retinitis pigmentosa 4 (RP4). Also called: RETINITIS PIGMENTOSA, RHODOPSIN-RELATED. Identifiers: Orphanet 791, MedGen C3151001, MONDO:0013395, OMIM 613731.
Retinitis pigmentosa (RP). Identifiers: Orphanet 791, MedGen C0035334, MeSH D012174, MONDO:0019200, OMIM 268000. Inheritance: Autosomal dominant, autosomal recessive and X linked inheritance.
Retinal disorder. Also called: Retinal disorders; Retinopathies; Retinal Diseases; Retinopathy. Identifiers: MedGen C0035309, MONDO:0005283, HP:0000488.

Allele frequency attached by ClinVar (database versions not stated): TOPMed below 0.00001; ExAC 0.00001; gnomAD exomes 0.00001.

Submissions (7):

Genetics Laboratory, Great Ormond Street Hospital NHS Foundation Trust, North Thames Genomic Laboratory Hub
Classification: Pathogenic for Retinal disorders. Last evaluated: 2026-01-29. Review status: criteria provided, single submitter. Criteria: ACGS Best Practice Guidelines for Variant Classification in Rare Disease 2024 v1.2. Collection method: clinical testing. Allele origin: germline. Affected: yes.
Comment: PS4_moderate, PM2_moderate, PVS1_very-strong, PP1_supporting

Labcorp Genetics (formerly Invitae), Labcorp
Classification: Pathogenic. Last evaluated: 2026-01-07. Review status: criteria provided, single submitter. Criteria: Invitae Variant Classification Sherloc (09022015). Collection method: clinical testing. Allele origin: germline.
Comment: This sequence change affects a donor splice site in intron 4 of the RHO gene. While this variant is not anticipated to result in nonsense mediated decay, it likely alters RNA splicing and results in a disrupted protein product. The frequency data for this variant in the population databases is considered unreliable, as metrics indicate poor data quality at this position in the gnomAD database. Disruption of this splice site has been observed in individuals with autosomal dominant retinitis pigmentosa (PMID: 8317502, 25097241). It has also been observed to segregate with disease in related individuals. ClinVar contains an entry for this variant (Variation ID: 855043). Variants that disrupt the consensus splice site are a relatively common cause of aberrant splicing (PMID: 17576681, 9536098). Algorithms developed to predict the effect of sequence changes on RNA splicing suggest that this variant may disrupt the consensus splice site. For these reasons, this variant has been classified as Pathogenic.

Victorian Clinical Genetics Services, Murdoch Childrens Research Institute
Classification: Pathogenic for Retinitis pigmentosa 4. Last evaluated: 2025-07-02. Review status: criteria provided, single submitter. Criteria: ACMG Guidelines, 2015. Collection method: clinical testing. Allele origin: germline. Affected: yes.
Comment: This variant is classified as Pathogenic. Evidence in support of pathogenic classification: Splice site variant proven to affect splicing of the transcript with a known effect on protein sequence. Splicing studies have shown this variant results in skipping of exon 4, an in-frame exon, p.(Ala233_Gln312del) (PMIDs: 21357407, 18412284); Variant is present in gnomAD <0.01 (v4: 29 heterozygote(s), 0 homozygote(s)); This variant has strong previous evidence of pathogenicity in unrelated individuals. This variant has been classified as likely pathogenic and pathogenic by clinical laboratories in ClinVar and has been reported in multiple families in the literature with retinitis pigmentosa, in both homozygote and heterozygote states (PMIDs: 25412400, 25097241, 14566652, 7558711, 8163341, 8317502); Another splice variant comparable to the one identified in this case has limited previous evidence for pathogenicity. c.936G>A has been reported in a heterozygous individual with retinitis pigmentosa, and shown to cause exon 4 skipping (PMID: 18837008). Additional information: This variant is heterozygous; This gene is associated with both recessive and dominant disease (OMIM); Alternative nucleotide change(s) at the same canonical splice site are present in gnomAD (highest allele count: v4: 5 heterozygote(s), 0 homozygote(s)); Variant is predicted to truncate part of the 7 transmembrane receptor (rhodopsin family) domain (DECIPHER); Loss of function is a known mechanism of disease in this gene and is associated with autosomal dominant congenital stationary night blindness 1 (MIM#610445), autosomal dominant or recessive retinitis pigmentosa 4 (MIM#613731) and retinitis punctata albescens (MIM#136880); Variants in this gene are known to have variable expressivity. Variants associated with dominant conditions in this gene are known to have variable expressivity and age of onset (PMID: 26887858).

Broad Center for Mendelian Genomics, Broad Institute of MIT and Harvard
Classification: Pathogenic for Retinitis pigmentosa. Last evaluated: 2021-04-01. Review status: criteria provided, single submitter. Criteria: ACMG Guidelines, 2015. Collection method: curation. Allele origin: germline. Inheritance: Autosomal dominant inheritance. Affected: yes.
Comment: Through a review of available evidence we were able to apply the following criteria: PVS1, PM2, PS3. Based on this evidence we have classified this variant as Pathogenic. If you have any questions about the classification please reach out to the Pierce Lab.

Centre for Genomic Medicine, Manchester, Central Manchester University Hospitals
Classification: Likely pathogenic for Retinitis pigmentosa 4. Last evaluated: 2020-09-01. Review status: criteria provided, single submitter. Criteria: ACMG Guidelines, 2015. Collection method: clinical testing. Allele origin: germline. Affected: yes. Observed: 2 heterozygotes.

Blueprint Genetics
Classification: Pathogenic for RHO-related disorders. Last evaluated: 2019-11-29. Review status: criteria provided, single submitter. Criteria: ACMG Guidelines, 2015. Collection method: clinical testing. Allele origin: germline. Affected: yes. Observed: 4 variant alleles.

OMIM
Classification: Pathogenic for RETINITIS PIGMENTOSA 4. Last evaluated: 2017-10-19. Review status: no assertion criteria provided. Collection method: literature only. Allele origin: germline. Not counted in ClinVar's aggregate classification.

Literature cited by the submitters: PubMed 8317502 (cited by 3 submitters); PubMed 25097241 (cited by 3 submitters); PubMed 17576681 (cited by Labcorp Genetics (formerly Invitae), Labcorp); PubMed 9536098 (cited by Labcorp Genetics (formerly Invitae), Labcorp); PubMed 14566652 (cited by Victorian Clinical Genetics Services, Murdoch Childrens Research Institute); PubMed 21357407 (cited by Victorian Clinical Genetics Services, Murdoch Childrens Research Institute and Broad Center for Mendelian Genomics, Broad Institute of MIT and Harvard); PubMed 25412400 (cited by Victorian Clinical Genetics Services, Murdoch Childrens Research Institute); PubMed 18412284 (cited by Victorian Clinical Genetics Services, Murdoch Childrens Research Institute); PubMed 26887858 (cited by Victorian Clinical Genetics Services, Murdoch Childrens Research Institute); PubMed 8163341 (cited by Victorian Clinical Genetics Services, Murdoch Childrens Research Institute); PubMed 18837008 (cited by Victorian Clinical Genetics Services, Murdoch Childrens Research Institute); PubMed 7558711 (cited by Victorian Clinical Genetics Services, Murdoch Childrens Research Institute); PubMed 34906470 (cited by Broad Center for Mendelian Genomics, Broad Institute of MIT and Harvard); PubMed 25525159 (cited by Broad Center for Mendelian Genomics, Broad Institute of MIT and Harvard); Rosenfeld, P. J., Cowley, G. S., Hahn, L. B., Sandberg, M. A., Berson, E. L., Dryja, T. P. A null mutation within the rhodopsin gene in a family with autosomal recessive retinitis pigmentosa. (Abstract) Invest. Ophthal. Vis. Sci. 33: 1397, 1992. (cited by OMIM).